The following is an entry in ClinVar:

NM_001080449.3(DNA2):c.262T>C (p.Ser88Pro)

Gene: DNA2 (DNA replication helicase/nuclease 2; minus strand). Cytogenetic location: 10q21.3.
Variant type: single nucleotide variant.
Coding change: c.262T>C on transcript NM_001080449.3 (MANE Select); coding-DNA position 262, T replaced by C.
Protein change: p.Ser88Pro; replaces serine 88 with proline.
Molecular consequence: missense variant. On other transcripts: non-coding transcript variant (1).
Genome position (GRCh38, 1-based): chr10:68,468,302, A>G on the plus strand (T>C on the coding strand, the complement: DNA2 is on the minus strand). VCF-style: chr10-68468302-A-G. GRCh37 (hg19) VCF-style: chr10-70228059-A-G.
Other names: short protein forms S88P.
Identifiers: ClinVar variation 2855252 (VCV002855252.3), dbSNP rs752740519, ClinGen allele CA5525333.
Genomic context (GRCh38, chr10:68,468,302, plus strand): 5'-AAGTGTCAGATGTGCAGTCTCCCTCCAAATGAATGATATCTCCTGGCTCTACTGGAACAG[A>G]ACACCTGAAAATAAAGCAAAGTTAAAGTATAAATACATAGCTTAGGTTCCTACATGTAAA-3'
Protein context (NP_001073918.2, residues 78-98): ELCILRNDWC[Ser88Pro]VPVEPGDIIH

ClinVar aggregate classification (germline): Uncertain significance (1 of 4 stars; one submission).

Allele frequency attached by ClinVar (database versions not stated): gnomAD exomes 0.00003; ExAC 0.00013.
gnomAD v4.1: 28 of 1,567,768 alleles (0.0018%); highest among the groups gnomAD compares: Non-Finnish European, 0.0016%; no homozygotes.

Submission:

Labcorp Genetics (formerly Invitae), Labcorp
Classification: Uncertain significance. Last evaluated: 2023-04-12. Review status: criteria provided, single submitter. Criteria: Invitae Variant Classification Sherloc (09022015). Collection method: clinical testing. Allele origin: germline.
Comment: This variant has not been reported in the literature in individuals affected with DNA2-related conditions. In summary, the available evidence is currently insufficient to determine the role of this variant in disease. Therefore, it has been classified as a Variant of Uncertain Significance. Advanced modeling of protein sequence and biophysical properties (such as structural, functional, and spatial information, amino acid conservation, physicochemical variation, residue mobility, and thermodynamic stability) performed at Invitae indicates that this missense variant is expected to disrupt DNA2 protein function. This variant is present in population databases (rs752740519, gnomAD 0.01%). This sequence change replaces serine, which is neutral and polar, with proline, which is neutral and non-polar, at codon 88 of the DNA2 protein (p.Ser88Pro).